The following is an entry in ClinVar:

NM_005257.6(GATA6):c.1070C>T (p.Pro357Leu)

Gene: GATA6 (GATA binding protein 6; plus strand). Cytogenetic location: 18q11.2.
Variant type: single nucleotide variant.
Coding change: c.1070C>T on transcript NM_005257.6 (MANE Select); coding-DNA position 1070, C replaced by T.
Protein change: p.Pro357Leu; replaces proline 357 with leucine.
Molecular consequence: missense variant.
Genome position (GRCh38, 1-based): chr18:22,172,214, C>T. VCF-style: chr18-22172214-C-T. GRCh37 (hg19) VCF-style: chr18-19752175-C-T.
Other names: short protein forms P357L.
Identifiers: ClinVar variation 2705143 (VCV002705143.3), dbSNP rs1463147072, ClinGen allele CA401801746.

ClinVar aggregate classification (germline): Uncertain significance (1 of 4 stars; one submission).

Conditions:
Atrioventricular septal defect 5 (AVSD5). Identifiers: MedGen C3280939, MONDO:0013769, OMIM 614474.

Submission:

Labcorp Genetics (formerly Invitae), Labcorp
Classification: Uncertain significance for Atrioventricular septal defect 5. Last evaluated: 2023-12-23. Review status: criteria provided, single submitter. Criteria: Invitae Variant Classification Sherloc (09022015). Collection method: clinical testing. Allele origin: germline.
Comment: This sequence change replaces proline, which is neutral and non-polar, with leucine, which is neutral and non-polar, at codon 357 of the GATA6 protein (p.Pro357Leu). This variant is not present in population databases (gnomAD no frequency). This variant has not been reported in the literature in individuals affected with GATA6-related conditions. Advanced modeling of protein sequence and biophysical properties (such as structural, functional, and spatial information, amino acid conservation, physicochemical variation, residue mobility, and thermodynamic stability) performed at Invitae indicates that this missense variant is not expected to disrupt GATA6 protein function with a negative predictive value of 80%. In summary, the available evidence is currently insufficient to determine the role of this variant in disease. Therefore, it has been classified as a Variant of Uncertain Significance.